The following is an entry in ClinVar:

ClinVar aggregate classification (germline): Uncertain significance (1 of 4 stars; one submission).

Allele frequency attached by ClinVar (database versions not stated): gnomAD exomes below 0.00001; TOPMed 0.00001; ExAC 0.00002.
gnomAD v4.1: 5 of 1,597,554 alleles (0.00031%); highest among the groups gnomAD compares: Admixed American, 0.0086%; no homozygotes.

Submission:

Labcorp Genetics (formerly Invitae), Labcorp
Classification: Uncertain significance. Last evaluated: 2022-05-31. Review status: criteria provided, single submitter. Criteria: Invitae Variant Classification Sherloc (09022015). Collection method: clinical testing. Allele origin: germline.
Comment: This sequence change replaces glutamic acid, which is acidic and polar, with aspartic acid, which is acidic and polar, at codon 162 of the NEDD4L protein (p.Glu162Asp). This variant is present in population databases (rs770138140, gnomAD 0.01%). This variant has not been reported in the literature in individuals affected with NEDD4L-related conditions. Algorithms developed to predict the effect of missense changes on protein structure and function (SIFT, PolyPhen-2, Align-GVGD) all suggest that this variant is likely to be tolerated. In summary, the available evidence is currently insufficient to determine the role of this variant in disease. Therefore, it has been classified as a Variant of Uncertain Significance.

NM_001144967.3(NEDD4L):c.486A>C (p.Glu162Asp)

Gene: NEDD4L (NEDD4 like E3 ubiquitin protein ligase; plus strand). Cytogenetic location: 18q21.31.
Variant type: single nucleotide variant.
Coding change: c.486A>C on transcript NM_001144967.3 (MANE Select); coding-DNA position 486, A replaced by C.
Protein change: p.Glu162Asp; replaces glutamic acid 162 with aspartic acid.
Molecular consequence: missense variant.
Genome position (GRCh38, 1-based): chr18:58,323,307, A>C. VCF-style: chr18-58323307-A-C. GRCh37 (hg19) VCF-style: chr18-55990539-A-C.
Other names: c.123A>C, p.Glu41Asp (NM_001144964.1, NM_001144965.2, NM_001144966.3 and 2 more transcripts); c.462A>C, p.Glu154Asp (NM_001144968.2, NM_001144969.2); c.486A>C, p.Glu162Asp (NM_001243960.2, NM_015277.6); short protein forms E162D, E154D, E41D.
Identifiers: ClinVar variation 2191143 (VCV002191143.4), dbSNP rs770138140, ClinGen allele CA8975362.
Genomic context (GRCh38, chr18:58,323,307, plus strand): 5'-TAAGGGATTTTTGCGATTGAAAATGGCCTATATGCCAAAAAATGGAGGTCAAGATGAAGA[A>C]AACAGTGACCAGAGGGATGACATGGAGGTACGTGGAGGGCGTCAGGCCTCTCTCCTTGCC-3'
Protein context (NP_001138439.1, residues 152-172): YMPKNGGQDE[Glu162Asp]NSDQRDDMEH